The following is an entry in ClinVar:

NM_000222.3(KIT):c.2670C>T (p.Leu890=)

Gene: KIT (KIT proto-oncogene, receptor tyrosine kinase; plus strand). Cytogenetic location: 4q12.
Variant type: single nucleotide variant.
Coding change: c.2670C>T on transcript NM_000222.3 (MANE Select); coding-DNA position 2670, C replaced by T.
Protein change: p.Leu890=; no amino-acid change (leucine 890 retained).
Molecular consequence: synonymous variant.
Genome position (GRCh38, 1-based): chr4:54,736,794, C>T. VCF-style: chr4-54736794-C-T. GRCh37 (hg19) VCF-style: chr4-55602960-C-T.
Other names: c.2658C>T, p.Leu886= (NM_001093772.2, NM_001385292.1); c.2673C>T, p.Leu891= (NM_001385284.1); c.2667C>T, p.Leu889= (NM_001385285.1); c.2655C>T, p.Leu885= (NM_001385286.1); c.2661C>T, p.Leu887= (NM_001385288.1); c.2670C>T, p.Leu890= (NM_001385290.1).
Identifiers: ClinVar variation 237268 (VCV000237268.30), dbSNP rs745967881, ClinGen allele CA2923821.

ClinVar aggregate classification (germline): Conflicting classifications of pathogenicity. Review status: criteria provided, conflicting classifications (1 of 4 stars). 8 submissions from 6 submitters: Uncertain significance (3); Benign (1); Likely benign (4). Last evaluated 2026-06-05.

Conditions:
Mastocytosis. Also called: Mast Cell Disease. Identifiers: Orphanet 98292, MedGen C0024899, MONDO:0007950, HP:0100495.
Gastrointestinal stromal tumor. Also called: Gastrointestinal stromal tumor, somatic; Gastrointestinal stroma tumor. Identifiers: Orphanet 44890, MedGen C0238198, MeSH D046152, MONDO:0011719, OMIM 606764, HP:0100723.
Hereditary cancer-predisposing syndrome. Also called: Tumor predisposition; Hereditary Cancer Syndrome; Neoplastic Syndromes, Hereditary; Hereditary neoplastic syndrome. Identifiers: Orphanet 140162, MedGen C0027672, MeSH D009386, MONDO:0015356.
Piebaldism. Also called: Piebald skin depigmentation. Identifiers: Orphanet 2884, MedGen C0080024, MONDO:0008244, OMIM 172800, HP:0007544.

Allele frequency attached by ClinVar (database versions not stated): gnomAD 0.00001; ExAC 0.00003; gnomAD exomes 0.00003; TOPMed 0.00003.
gnomAD v4.1: 64 of 1,613,986 alleles (0.004%); highest among the groups gnomAD compares: Non-Finnish European, 0.0051%; no homozygotes.

Submissions (8):

Myriad Genetics, Inc.
Classification: Benign for Gastrointestinal stromal tumor. Last evaluated: 2026-06-05. Review status: criteria provided, single submitter. Criteria: Myriad Autosomal Dominant, Autosomal Recessive and X-Linked Classification Criteria (2023). Collection method: clinical testing. Allele origin: unknown.
Comment: This variant is considered benign. This variant is a silent/synonymous amino acid change and it is not expected to impact splicing.

Labcorp Genetics (formerly Invitae), Labcorp
Classification: Likely benign for Gastrointestinal stromal tumor. Last evaluated: 2026-01-31. Review status: criteria provided, single submitter. Criteria: Invitae Variant Classification Sherloc (09022015). Collection method: clinical testing. Allele origin: germline.

CeGaT Center for Human Genetics Tuebingen
Classification: Likely benign. Last evaluated: 2025-06-01. Review status: criteria provided, single submitter. Criteria: CeGaT Center For Human Genetics Tuebingen Variant Classification Criteria Version 2. Collection method: clinical testing. Allele origin: germline. Affected: yes. Observed: 1 variant allele.
Comment: KIT: BP4, BP7

ARUP Laboratories, Molecular Genetics and Genomics, ARUP Laboratories
Classification: Likely benign. Last evaluated: 2025-05-12. Review status: criteria provided, single submitter. Criteria: ARUP Molecular Germline Variant Investigation Process 2024. Collection method: clinical testing. Allele origin: germline.

Ambry Genetics
Classification: Likely benign for Hereditary cancer-predisposing syndrome. Last evaluated: 2019-11-06. Review status: criteria provided, single submitter. Criteria: Ambry Variant Classification Scheme 2023. Collection method: clinical testing. Allele origin: germline.

Illumina Laboratory Services, Illumina
Classification: Uncertain significance for Gastrointestinal stromal tumor. Last evaluated: 2018-01-12. Review status: criteria provided, single submitter. Criteria: ICSL Variant Classification Criteria 13 December 2019. Collection method: clinical testing. Allele origin: germline.

Illumina Laboratory Services, Illumina
Classification: Uncertain significance for Piebaldism. Last evaluated: 2018-01-12. Review status: criteria provided, single submitter. Criteria: ICSL Variant Classification Criteria 13 December 2019. Collection method: clinical testing. Allele origin: germline.

Illumina Laboratory Services, Illumina
Classification: Uncertain significance for Cutaneous mastocytosis. Last evaluated: 2018-01-12. Review status: criteria provided, single submitter. Criteria: ICSL Variant Classification Criteria 13 December 2019. Collection method: clinical testing. Allele origin: germline.